The following is an entry in ClinVar:

NM_000077.5(CDKN2A):c.301G>C (p.Gly101Arg)

Gene: CDKN2A (cyclin dependent kinase inhibitor 2A; minus strand). Cytogenetic location: 9p21.3.
Variant type: single nucleotide variant.
Coding change: c.301G>C on transcript NM_000077.5; coding-DNA position 301, G replaced by C.
Protein change: p.Gly101Arg; replaces glycine 101 with arginine.
Molecular consequence: missense variant (on NM_000077.6). On other transcripts: 3 prime UTR variant (1).
Genome position (GRCh38, 1-based): chr9:21,971,058, C>G on the plus strand (G>C on the coding strand, the complement: CDKN2A is on the minus strand). VCF-style: chr9-21971058-C-G. GRCh37 (hg19) VCF-style: chr9-21971057-C-G.
Other names: c.301G>C, p.Gly101Arg (NM_000077.6, NM_001195132.2); c.148G>C, p.Gly50Arg (NM_001363763.2); c.344G>C, p.Arg115Pro (NM_058195.4); c.*224G>C (NM_058197.5); short protein forms G101R, R115P, G50R.
Identifiers: ClinVar variation 216274 (VCV000216274.25), dbSNP rs104894094, ClinGen allele CA336659.
Genomic context (GRCh38, chr9:21,971,058, plus strand): 5'-GCTCCTCAGCCAGGTCCACGGGCAGACGGCCCCAGGCATCGCGCACGTCCAGCCGCGCCC[C>G]GGCCCGGTGCAGCACCACCAGCGTGTCCAGGAAGCCCTCCCGGGCAGCGTCGTGCACGGG-3'
Protein context (NP_000068.1, residues 91-111): LDTLVVLHRA[Gly101Arg]ARLDVRDAWG

ClinVar aggregate classification (germline): Uncertain significance. Review status: criteria provided, multiple submitters, no conflicts (2 of 4 stars). 9 submissions from 9 submitters: Uncertain significance (9). Last evaluated 2026-07-01.

Conditions:
Familial melanoma. Also called: Hereditary melanoma; Hereditary cutaneous melanoma. Identifiers: Orphanet 618, MedGen C1512419, MONDO:0018961.
Hereditary cancer-predisposing syndrome. Also called: Neoplastic Syndromes, Hereditary; Tumor predisposition; Hereditary Cancer Syndrome; Hereditary neoplastic syndrome. Identifiers: Orphanet 140162, MedGen C0027672, MeSH D009386, MONDO:0015356.
Melanoma and neural system tumor syndrome. Also called: MELANOMA-ASTROCYTOMA SYNDROME. Identifiers: Orphanet 252206, MedGen C1835042, MONDO:0007967, OMIM 155755.

Allele frequency attached by ClinVar (database versions not stated): ExAC 0.00002.
gnomAD v4.1: 7 of 1,605,328 alleles (0.00044%); highest among the groups gnomAD compares: South Asian, 0.0044%; no homozygotes.

Submissions (9):

CeGaT Center for Human Genetics Tuebingen
Classification: Uncertain significance. Last evaluated: 2026-07-01. Review status: criteria provided, single submitter. Criteria: CeGaT Center For Human Genetics Tuebingen Variant Classification Criteria Version 2. Collection method: clinical testing. Allele origin: germline. Affected: yes. Observed: 1 variant allele.
Comment: CDKN2A: PM5, PS4:Moderate, PM2:Supporting, BS3:Supporting

Labcorp Genetics (formerly Invitae), Labcorp
Classification: Uncertain significance for Familial melanoma. Last evaluated: 2026-01-12. Review status: criteria provided, single submitter. Criteria: Invitae Variant Classification Sherloc (09022015). Collection method: clinical testing. Allele origin: germline.
Comment: The CDKN2A gene encodes two different proteins, p16INK4a and p14ARF, which are translated from alternative transcripts with different open reading frames. Both transcripts have been analyzed. We report either the variant with the higher classification or default to the CDKN2A (p16INK4a) variant. This report therefore includes the details for the CDKN2A (p16INK4a) variant. This sequence change replaces glycine, which is neutral and non-polar, with arginine, which is basic and polar, at codon 101 of the CDKN2A (p16INK4a) protein (p.Gly101Arg). This variant is present in population databases (rs104894094, gnomAD 0.003%). This missense change has been observed in individual(s) with melanoma and pancreatic cancer (PMID: 21801156, 25356972, 29774366). This variant is also known as c.344G>C (p.Arg115Pro) in the CDKN2A (p14ARF) transcript. ClinVar contains an entry for this variant (Variation ID: 216274). An algorithm developed to predict the effect of missense changes on protein structure and function (PolyPhen-2) suggests that this variant is likely to be disruptive. Experimental studies have shown that this missense change does not substantially affect CDKN2A (p16INK4a) function (PMID: 12606942, 21462282, 35001868). This variant disrupts the p.Gly101 amino acid residue in CDKN2A (p16INK4a). Other variant(s) that disrupt this residue have been determined to be pathogenic (PMID: 10869234, 11807902, 14679123, 15146471, 21462282, 21801156). This suggests that this residue is clinically significant, and that variants that disrupt this residue are likely to be disease-causing. In summary, the available evidence is currently insufficient to determine the role of this variant in disease. Therefore, it has been classified as a Variant of Uncertain Significance.

Quest Diagnostics Nichols Institute San Juan Capistrano
Classification: Uncertain significance. Last evaluated: 2025-04-03. Review status: criteria provided, single submitter. Criteria: Quest Diagnostics criteria. Collection method: clinical testing. Allele origin: unknown.
Comment: The CDKN2A c.301G>C (p.Gly101Arg) variant in p16 (INK4A) has been reported in the published literature in individuals with a personal and/or family history of melanoma (PMID: 37568588 (2023), 29774366 (2018), 26775776 (2016), 21801156 (2011)), pancreatic cancer (PMID: 25356972 (2015)), and breast cancer (PMID: 29700634 (2018)). Published functional studies indicate this variant is not damaging to protein function (PMID: 35001868 (2022), 21462282 (2011), 12606942 (2003)). The frequency of this variant in the general population (Genome Aggregation Database) is uninformative in the assessment of its pathogenicity. Analysis of this variant using bioinformatics tools for the prediction of the effect of amino acid changes on protein structure and function yielded predictions that this variant is damaging. Based on the available information, we are unable to determine the clinical significance of this variant. The CDKN2A c.344G>C (p.Arg115Pro) variant in p14 (ARF) has not been reported in individuals with CDKN2A-related conditions in the published literature. The frequency of this variant in the general population (Genome Aggregation Database) is uninformative in the assessment of its pathogenicity. Analysis of this variant using a bioinformatics tool for the prediction of the effect of amino acid changes on protein structure and function yielded a prediction that this variant is damaging. Based on the available information, we are unable to determine the clinical significance of this variant.

Center for Genomic Medicine, Rigshospitalet, Copenhagen University Hospital
Classification: Uncertain significance. Last evaluated: 2025-03-04. Review status: criteria provided, single submitter. Criteria: ACMG Guidelines, 2015. Collection method: clinical testing. Allele origin: germline.

Ambry Genetics
Classification: Uncertain significance for Hereditary cancer-predisposing syndrome. Last evaluated: 2024-11-18. Review status: criteria provided, single submitter. Criteria: Ambry Variant Classification Scheme 2023. Collection method: clinical testing. Allele origin: germline.
Comment: The p.G101R variant (also known as c.301G>C), located in coding exon 2 of the CDKN2A gene, results from a G to C substitution at nucleotide position 301. The glycine at codon 101 is replaced by arginine, an amino acid with dissimilar properties. Functional studies have shown this alteration exhibits cell cycle arrest activity similar to wildtype (Greenblatt MS et al. Oncogene, 2003 Feb;22:1150-63; Miller PJ et al. Hum. Mutat., 2011 Aug;32:900-11). This amino acid position is well conserved in available vertebrate species. In addition, this alteration is predicted to be deleterious by in silico analysis. Based on the available evidence, the clinical significance of this variant remains unclear.

Baylor Genetics
Classification: Uncertain significance for Melanoma and neural system tumor syndrome. Last evaluated: 2024-02-06. Review status: criteria provided, single submitter. Criteria: ACMG Guidelines, 2015. Collection method: clinical testing. Allele origin: unknown.

Color Diagnostics, LLC DBA Color Health
Classification: Uncertain significance for Hereditary cancer-predisposing syndrome. Last evaluated: 2023-09-01. Review status: criteria provided, single submitter. Criteria: ACMG Guidelines, 2015. Collection method: clinical testing. Allele origin: germline.
Comment: The CDKN2A gene encodes two different proteins, p16INK4a and p14ARF. This missense variant replaces glycine with arginine at codon 101 of the CDKN2A (p16INK4A) protein. Computational prediction tool suggests that this variant may have deleterious impact on protein structure and function (internally defined REVEL score threshold >=0.7, PMID: 27666373). However, functional studies have shown that this variant induces cell cycle arrest similarly to wild-type p16INK4a protein (PMID: 12606942, 21462282). This variant has been reported in at least one individual affected with single primary melanoma (PMID: 21801156, 29774366), in an individual affected with pancreatic cancer (PMID: 25356972), and in 3 individuals affected with multiple primary melanoma (PMID: 26775776). This variant has been identified in 2/234468 chromosomes in the general population by the Genome Aggregation Database (gnomAD). A different missense variant occurring at the same position, p.Gly101Trp, is known to be pathogenic (Clinvar variation ID: 9412), indicating glycine at this position is important for the p16INK4a protein function. Although there is a suspicion that this variant may be associated with disease, additional studies are necessary to determine the role of this variant in disease conclusively. Therefore, this variant is classified as a Variant of Uncertain Significance.

Women's Health and Genetics/Laboratory Corporation of America, LabCorp
Classification: Uncertain significance. Last evaluated: 2016-01-25. Review status: criteria provided, single submitter. Criteria: LabCorp Variant Classification Summary - May 2015. Collection method: clinical testing. Allele origin: germline.

GeneDx
Classification: Uncertain significance. Last evaluated: 2015-06-03. Review status: criteria provided, single submitter. Criteria: GeneDx Variant Classification (06012015). Collection method: clinical testing. Allele origin: germline. Affected: yes.
Comment: This variant is denoted CDKN2A c.301G>C at the cDNA level, p.Gly101Arg (G101R) at the protein level, and results in the change of a Glycine to an Arginine (GGG>CGG). This variant was observed in a case of familial melanoma (Nikolaou 2011). An alternate base change, CDKN2A c.301G>A, which leads to the same amino acid change observed in this case, Gly101Arg, has been observed in a familial pancreatic cancer family, and was found in functional assays to behave similar to wild-type with regard to cell-cycle arrest and loss of function (Miller 2011, Zhen 2014, Greenblatt 2003). CDKN2A Gly101Arg was not observed in approximately 6,500 individuals of European and African American ancestry in the NHLBI Exome Sequencing Project, indicating it is not a common benign variant in these populations. Since Glycine and Arginine differ in polarity, charge, size or other properties, this is considered a non-conservative amino acid substitution. CDKN2A Gly101Arg occurs at a position that is conserved in mammals, with Arginine being the naturally occurring amino acid at this position in one vertebrate, and is located in the ANK 3 repeat (UniProt). In silico analyses predict that this variant is probably damaging to protein structure and function. Based on currently available information, it is unclear whether CDKN2A Gly101Arg is pathogenic or benign. We consider it to be a variant of uncertain significance.

Literature cited by the submitters: PubMed 21801156 (cited by 5 submitters); PubMed 25356972 (cited by 4 submitters); PubMed 29774366 (cited by 4 submitters); PubMed 12606942 (cited by 6 submitters); PubMed 21462282 (cited by 5 submitters); PubMed 35001868 (cited by Labcorp Genetics (formerly Invitae), Labcorp and Quest Diagnostics Nichols Institute San Juan Capistrano); PubMed 10869234 (cited by Labcorp Genetics (formerly Invitae), Labcorp); PubMed 11807902 (cited by Labcorp Genetics (formerly Invitae), Labcorp); PubMed 14679123 (cited by Labcorp Genetics (formerly Invitae), Labcorp); PubMed 15146471 (cited by Labcorp Genetics (formerly Invitae), Labcorp); PubMed 26775776 (cited by 3 submitters); PubMed 29700634 (cited by Quest Diagnostics Nichols Institute San Juan Capistrano and Ambry Genetics); PubMed 37568588 (cited by Quest Diagnostics Nichols Institute San Juan Capistrano); PubMed 25064638 (cited by Ambry Genetics).